The following is an entry in ClinVar:

ClinVar aggregate classification (germline): Uncertain significance. Review status: criteria provided, multiple submitters, no conflicts (2 of 4 stars). 2 submissions from 2 submitters: Uncertain significance (2). Last evaluated 2021-08-27.

Conditions:
Granulomatous disease, chronic, autosomal recessive, cytochrome b-positive, type 3. Also called: GRANULOMATOUS DISEASE, CHRONIC, DUE TO NCF4 DEFICIENCY; Granulomatous disease, chronic, autosomal recessive, cytochrome b-positive, type III; GRANULOMATOUS DISEASE, CHRONIC, AUTOSOMAL RECESSIVE, 3; CGD, AUTOSOMAL RECESSIVE CYTOCHROME b-POSITIVE, TYPE III. Identifiers: Orphanet 379, MedGen C3151409, MONDO:0013507, OMIM 613960.

Allele frequency attached by ClinVar (database versions not stated): ExAC 0.00001; gnomAD 0.00001 and 0.00002; gnomAD exomes 0.00001 and 0.00002; TOPMed 0.00003.
gnomAD v4.1: 39 of 1,612,726 alleles (0.0024%); highest among the groups gnomAD compares: Non-Finnish European, 0.0031%; no homozygotes.

Submissions (2):

Labcorp Genetics (formerly Invitae), Labcorp
Classification: Uncertain significance for Granulomatous disease, chronic, autosomal recessive, cytochrome b-positive, type 3. Last evaluated: 2021-08-27. Review status: criteria provided, single submitter. Criteria: Invitae Variant Classification Sherloc (09022015). Collection method: clinical testing. Allele origin: germline.
Comment: This sequence change replaces phenylalanine with leucine at codon 219 of the NCF4 protein (p.Phe219Leu). The phenylalanine residue is highly conserved and there is a small physicochemical difference between phenylalanine and leucine. This variant is present in population databases (rs761212596, ExAC 0.002%). This variant has not been reported in the literature in individuals affected with NCF4-related conditions. ClinVar contains an entry for this variant (Variation ID: 341556). Algorithms developed to predict the effect of missense changes on protein structure and function are either unavailable or do not agree on the potential impact of this missense change (SIFT: "Deleterious"; PolyPhen-2: "Probably Damaging"; Align-GVGD: "Class C0"). In summary, the available evidence is currently insufficient to determine the role of this variant in disease. Therefore, it has been classified as a Variant of Uncertain Significance.

Fulgent Genetics
Classification: Uncertain significance for Granulomatous disease, chronic, autosomal recessive, cytochrome b-positive, type 3. Last evaluated: 2021-08-20. Review status: criteria provided, single submitter. Criteria: ACMG Guidelines, 2015. Collection method: clinical testing. Allele origin: unknown.

NM_000631.5(NCF4):c.655T>C (p.Phe219Leu)

Gene: NCF4 (neutrophil cytosolic factor 4; plus strand). Cytogenetic location: 22q12.3.
Variant type: single nucleotide variant.
Coding change: c.655T>C on transcript NM_000631.5 (MANE Select); coding-DNA position 655, T replaced by C.
Protein change: p.Phe219Leu; replaces phenylalanine 219 with leucine.
Molecular consequence: missense variant.
Genome position (GRCh38, 1-based): chr22:36,875,680, T>C. VCF-style: chr22-36875680-T-C. GRCh37 (hg19) VCF-style: chr22-37271722-T-C.
Other names: c.655T>C, p.Phe219Leu (NM_013416.4); short protein forms F219L.
Identifiers: ClinVar variation 341556 (VCV000341556.8), dbSNP rs761212596, ClinGen allele CA10213126.